The following is an entry in ClinVar:

NM_182914.3(SYNE2):c.1601G>T (p.Arg534Leu)

Gene: SYNE2 (spectrin repeat containing nuclear envelope protein 2; plus strand). Cytogenetic location: 14q23.2.
Variant type: single nucleotide variant.
Coding change: c.1601G>T on transcript NM_182914.3 (MANE Select); coding-DNA position 1601, G replaced by T.
Protein change: p.Arg534Leu; replaces arginine 534 with leucine.
Molecular consequence: missense variant.
Genome position (GRCh38, 1-based): chr14:63,980,685, G>T. VCF-style: chr14-63980685-G-T. GRCh37 (hg19) VCF-style: chr14-64447403-G-T.
Other names: c.1601G>T, p.Arg534Leu (NM_015180.6); short protein forms R534L.
Identifiers: ClinVar variation 4747697 (VCV004747697.1).
Genomic context (GRCh38, chr14:63,980,685, plus strand): 5'-TGTCAATATGTTTTTTGTTTTCTTCCCAGAAATTTATTGAAGAAAAAGAATTCCTAGCTC[G>T]ACTTGATACTTCTTTTCAAAAATGTGGAGAAATTTATAAGAATTTGGGTAAAGTGGTTCA-3'
Protein context (NP_878918.2, residues 524-544): KFIEEKEFLA[Arg534Leu]LDTSFQKCGE

ClinVar aggregate classification (germline): Uncertain significance (1 of 4 stars; one submission).

Conditions:
Emery-Dreifuss muscular dystrophy 5, autosomal dominant (EDMD5). Also called: EMERY-DREIFUSS MUSCULAR DYSTROPHY 5. Identifiers: Orphanet 261, MedGen C2751805, MONDO:0013072, OMIM 612999.

gnomAD v4.1: 1 of 1,606,648 alleles (0.000062%); highest among the groups gnomAD compares: Non-Finnish European, 0.000085%; no homozygotes.

Submission:

Labcorp Genetics (formerly Invitae), Labcorp
Classification: Uncertain significance for Emery-Dreifuss muscular dystrophy 5, autosomal dominant. Last evaluated: 2026-01-25. Review status: criteria provided, single submitter. Criteria: Invitae Variant Classification Sherloc (09022015). Collection method: clinical testing. Allele origin: germline.
Comment: This sequence change replaces arginine, which is basic and polar, with leucine, which is neutral and non-polar, at codon 534 of the SYNE2 protein (p.Arg534Leu). This variant is present in population databases (no rsID available, gnomAD 0.0009%). This variant has not been reported in the literature in individuals affected with SYNE2-related conditions. An algorithm developed to predict the effect of missense changes on protein structure and function (PolyPhen-2) suggests that this variant is likely to be tolerated. Algorithms developed to predict the effect of sequence changes on RNA splicing suggest that this variant may disrupt the consensus splice site. In summary, the available evidence is currently insufficient to determine the role of this variant in disease. Therefore, it has been classified as a Variant of Uncertain Significance.